The following is an entry in ClinVar:

NM_005562.3(LAMC2):c.204C>A (p.Cys68Ter)

Gene: LAMC2 (laminin subunit gamma 2; plus strand). Cytogenetic location: 1q25.3.
Variant type: single nucleotide variant.
Coding change: c.204C>A on transcript NM_005562.3 (MANE Select); coding-DNA position 204, C replaced by A.
Protein change: p.Cys68Ter; replaces cysteine 68 with a stop codon.
Molecular consequence: nonsense.
Genome position (GRCh38, 1-based): chr1:183,208,005, C>A. VCF-style: chr1-183208005-C-A. GRCh37 (hg19) VCF-style: chr1-183177140-C-A.
Other names: c.204C>A, p.Cys68Ter (NM_018891.3); short protein forms C68*.
Identifiers: ClinVar variation 5013248 (VCV005013248.1).
Genomic context (GRCh38, chr1:183,208,005, plus strand): 5'-TAATGGATTCCGCTGCCTCAACTGCAATGACAACACTGATGGCATTCACTGCGAGAAGTG[C>A]AAGAATGGCTTTTACCGGCACAGAGAAAGGGACCGCTGTTTGCCCTGCAATTGTAACTCC-3'

ClinVar aggregate classification (germline): Pathogenic (1 of 4 stars; one submission).

Conditions:
Junctional epidermolysis bullosa. Identifiers: Orphanet 305, MedGen C0079301, MONDO:0017612.

Submission:

Myriad Genetics, Inc.
Classification: Pathogenic for Junctional epidermolysis bullosa. Last evaluated: 2024-12-13. Review status: criteria provided, single submitter. Criteria: Myriad Autosomal Dominant, Autosomal Recessive and X-Linked Classification Criteria (2023). Collection method: clinical testing. Allele origin: unknown.
Comment: NM_005562.2(LAMC2):c.204C>A(C68*) is expected to be pathogenic in the context of junctional epidermolysis bullosa, LAMC2-related. This variant is predicted to lead to an abnormal or absent protein product due to the creation of a premature termination codon in LAMC2, a gene where loss-of-function variants are known to be pathogenic. Please note: this variant was assessed in the context of healthy population screening.